The following is an entry in ClinVar:

NM_032043.3(BRIP1):c.1191C>G (p.Asn397Lys)

Gene: BRIP1 (BRCA1 interacting DNA helicase 1; minus strand). Cytogenetic location: 17q23.2.
Variant type: single nucleotide variant.
Coding change: c.1191C>G on transcript NM_032043.3 (MANE Select); coding-DNA position 1191, C replaced by G.
Protein change: p.Asn397Lys; replaces asparagine 397 with lysine.
Molecular consequence: missense variant.
Genome position (GRCh38, 1-based): chr17:61,799,249, G>C on the plus strand (C>G on the coding strand, the complement: BRIP1 is on the minus strand). VCF-style: chr17-61799249-G-C. GRCh37 (hg19) VCF-style: chr17-59876610-G-C.
Other names: short protein forms N397K.
Identifiers: ClinVar variation 818560 (VCV000818560.4), dbSNP rs1555607182, ClinGen allele CA400483724.

ClinVar aggregate classification (germline): Uncertain significance (1 of 4 stars; one submission).

Conditions:
Hereditary cancer-predisposing syndrome. Also called: Tumor predisposition; Hereditary neoplastic syndrome; Neoplastic Syndromes, Hereditary; Hereditary Cancer Syndrome. Identifiers: Orphanet 140162, MedGen C0027672, MeSH D009386, MONDO:0015356.

Submission:

Ambry Genetics
Classification: Uncertain significance for Hereditary cancer-predisposing syndrome. Last evaluated: 2018-01-20. Review status: criteria provided, single submitter. Criteria: Ambry Variant Classification Scheme 2023. Collection method: clinical testing. Allele origin: germline.
Comment: The p.N397K variant (also known as c.1191C>G), located in coding exon 8 of the BRIP1 gene, results from a C to G substitution at nucleotide position 1191. The asparagine at codon 397 is replaced by lysine, an amino acid with similar properties. This amino acid position is highly conserved in available vertebrate species. In addition, the in silico prediction for this alteration is inconclusive. Since supporting evidence is limited at this time, the clinical significance of this alteration remains unclear.